The following is an entry in ClinVar:

NM_004770.3(KCNB2):c.827C>T (p.Pro276Leu)

Gene: KCNB2 (potassium voltage-gated channel subfamily B member 2; plus strand). Cytogenetic location: 8q21.11.
Variant type: single nucleotide variant.
Coding change: c.827C>T on transcript NM_004770.3 (MANE Select); coding-DNA position 827, C replaced by T.
Protein change: p.Pro276Leu; replaces proline 276 with leucine.
Molecular consequence: missense variant.
Genome position (GRCh38, 1-based): chr8:72,936,182, C>T. VCF-style: chr8-72936182-C-T. GRCh37 (hg19) VCF-style: chr8-73848417-C-T.
Other names: short protein forms P276L.
Identifiers: ClinVar variation 3907782 (VCV003907782.1).

ClinVar aggregate classification (germline): Uncertain significance (1 of 4 stars; one submission).

Submission:

GeneDx
Classification: Uncertain significance. Last evaluated: 2023-12-14. Review status: criteria provided, single submitter. Criteria: GeneDx Variant Classification Process June 2021. Collection method: clinical testing. Allele origin: germline. Affected: yes.
Comment: Not observed at significant frequency in large population cohorts (gnomAD); In silico analysis supports that this missense variant has a deleterious effect on protein structure/function; Has not been previously published as pathogenic or benign to our knowledge; Variants in candidate genes are classified as variants of uncertain significance in accordance with ACMG guidelines (PMID: 25741868)